The following is an entry in ClinVar:

NM_001204.7(BMPR2):c.518G>T (p.Arg173Ile)

Gene: BMPR2 (bone morphogenetic protein receptor type 2; plus strand). Cytogenetic location: 2q33.2.
Variant type: single nucleotide variant.
Coding change: c.518G>T on transcript NM_001204.7 (MANE Select); coding-DNA position 518, G replaced by T.
Protein change: p.Arg173Ile; replaces arginine 173 with isoleucine.
Molecular consequence: missense variant.
Genome position (GRCh38, 1-based): chr2:202,513,818, G>T. VCF-style: chr2-202513818-G-T. GRCh37 (hg19) VCF-style: chr2-203378541-G-T.
Other names: short protein forms R173I.
Identifiers: ClinVar variation 5033120 (VCV005033120.1).

ClinVar aggregate classification (germline): Uncertain significance (1 of 4 stars; one submission).

Conditions:
Inborn genetic diseases. Identifiers: MedGen C0950123, MeSH D030342.

Submission:

Ambry Genetics
Classification: Uncertain significance for Inborn genetic diseases. Last evaluated: 2026-08-18. Review status: criteria provided, single submitter. Criteria: Ambry Variant Classification Scheme 2023. Collection method: clinical testing. Allele origin: germline.
Comment: The p.R173I variant (also known as c.518G>T), located in coding exon 4 of the BMPR2 gene, results from a G to T substitution at nucleotide position 518. The arginine at codon 173 is replaced by isoleucine, an amino acid with similar properties. This amino acid position is conserved. In addition, this alteration is predicted to be deleterious by in silico analysis. Based on the available evidence, the clinical significance of this variant remains unclear.